The following is an entry in ClinVar:

ClinVar aggregate classification (germline): Uncertain significance (0 of 4 stars; one submission).

Conditions:
DNHD1-related disorder. Also called: DNHD1-related condition.

Submission:

PreventionGenetics, part of Exact Sciences
Classification: Uncertain significance for DNHD1-related condition. Last evaluated: 2023-10-19. Review status: no assertion criteria provided. Collection method: clinical testing. Allele origin: germline.
Comment: The DNHD1 c.2911G>A variant is predicted to result in the amino acid substitution p.Glu971Lys. To our knowledge, this variant has not been reported in the literature or in a large population database, indicating this variant is rare. At this time, the clinical significance of this variant is uncertain due to the absence of conclusive functional and genetic evidence.

NM_144666.3(DNHD1):c.2911G>A (p.Glu971Lys)

Gene: DNHD1 (dynein heavy chain domain 1; plus strand). Cytogenetic location: 11p15.4.
Variant type: single nucleotide variant.
Coding change: c.2911G>A on transcript NM_144666.3 (MANE Select); coding-DNA position 2911, G replaced by A.
Protein change: p.Glu971Lys; replaces glutamic acid 971 with lysine.
Molecular consequence: missense variant.
Genome position (GRCh38, 1-based): chr11:6,534,086, G>A. VCF-style: chr11-6534086-G-A. GRCh37 (hg19) VCF-style: chr11-6555316-G-A.
Other names: short protein forms E971K.
Identifiers: ClinVar variation 3045675 (VCV003045675.2), dbSNP rs2494016560, ClinGen allele CA379406138.